The following is an entry in ClinVar:

ClinVar aggregate classification (germline): Conflicting classifications of pathogenicity. Review status: criteria provided, conflicting classifications (1 of 4 stars). 4 submissions from 4 submitters: Uncertain significance (3); Likely benign (1). Last evaluated 2025-11-20.

Conditions:
Cardiovascular phenotype. Identifiers: MedGen CN230736.
Long QT syndrome (LQTS). Identifiers: MedGen C0023976, MeSH D008133, MONDO:0002442. Disease mechanism: loss of function. Inheritance: Various modes of inheritance.

Allele frequency attached by ClinVar (database versions not stated): TOPMed below 0.00001; gnomAD exomes 0.00001.

Submissions (4):

Ambry Genetics
Classification: Uncertain significance for Cardiovascular phenotype. Last evaluated: 2025-11-20. Review status: criteria provided, single submitter. Criteria: Ambry Variant Classification Scheme 2023. Collection method: clinical testing. Allele origin: germline.

Labcorp Genetics (formerly Invitae), Labcorp
Classification: Uncertain significance for Long QT syndrome. Last evaluated: 2025-01-02. Review status: criteria provided, single submitter. Criteria: Invitae Variant Classification Sherloc (09022015). Collection method: clinical testing. Allele origin: germline.
Comment: This sequence change replaces threonine, which is neutral and polar, with methionine, which is neutral and non-polar, at codon 1048 of the ANK2 protein (p.Thr1048Met). This variant is present in population databases (rs786205735, gnomAD 0.0009%). This variant has not been reported in the literature in individuals affected with ANK2-related conditions. ClinVar contains an entry for this variant (Variation ID: 190600). An algorithm developed to predict the effect of missense changes on protein structure and function (PolyPhen-2) suggests that this variant is likely to be disruptive. In summary, the available evidence is currently insufficient to determine the role of this variant in disease. Therefore, it has been classified as a Variant of Uncertain Significance.

Blueprint Genetics
Classification: Likely benign. Last evaluated: 2024-03-15. Review status: criteria provided, single submitter. Criteria: ACMG Guidelines, 2015. Collection method: clinical testing. Allele origin: germline.

GeneDx
Classification: Uncertain significance. Last evaluated: 2016-04-08. Review status: criteria provided, single submitter. Criteria: GeneDx Variant Classification (06012015). Collection method: clinical testing. Allele origin: germline. Affected: yes.
Comment: The T1048M variant has not been published as a pathogenic variant, nor has it been reported as a benign variant to our knowledge. The T1048M variant was not observed in approximately 6,500 individuals of European and African American ancestry in the NHLBI Exome Sequencing Project, indicating it is not a common benign variant in these populations. The T1048M variant is a non-conservative amino acid substitution, which is likely to impact secondary protein structure as these residues differ in polarity, charge, size and/or other properties. This substitution occurs at a position where only amino acids with similar properties to Threonine are tolerated across species. Finally, in silico analysis predicts this variant is probably damaging to the protein structure/function. Therefore, based on the currently available information, it is unclear whether this variant is pathogenic or rare benign.

NM_001148.6(ANK2):c.3143C>T (p.Thr1048Met)

Gene: ANK2 (ankyrin 2; plus strand). Cytogenetic location: 4q26.
Variant type: single nucleotide variant.
Coding change: c.3143C>T on transcript NM_001148.6 (MANE Select); coding-DNA position 3143, C replaced by T.
Protein change: p.Thr1048Met; replaces threonine 1048 with methionine.
Molecular consequence: missense variant. On other transcripts: intron variant (42).
Genome position (GRCh38, 1-based): chr4:113,331,989, C>T. VCF-style: chr4-113331989-C-T. GRCh37 (hg19) VCF-style: chr4-114253145-C-T.
Other names: p.T1048M:ACG>ATG; c.3116C>T, p.Thr1039Met (NM_001127493.3); c.3155C>T, p.Thr1052Met (NM_001354225.2); c.3185C>T, p.Thr1062Met (NM_001354231.2, NM_001354242.2); c.3179C>T, p.Thr1060Met (NM_001354232.2); c.3140C>T, p.Thr1047Met (NM_001354235.2, NM_001354246.2, NM_001354265.2); c.3221C>T, p.Thr1074Met (NM_001354237.2); c.3113C>T, p.Thr1038Met (NM_001354239.2, NM_001354252.2); and 29 more; short protein forms T1039M, T1048M, T1060M, T977M, T1031M, T1052M, T1062M, T1026M.
Identifiers: ClinVar variation 190600 (VCV000190600.10), dbSNP rs786205735, ClinGen allele CA301046.